The following is an entry in ClinVar:

NM_201384.3(PLEC):c.526C>G (p.Gln176Glu)

Gene: PLEC (plectin; minus strand). Cytogenetic location: 8q24.3.
Variant type: single nucleotide variant.
Coding change: c.526C>G on transcript NM_201384.3 (MANE Select); coding-DNA position 526, C replaced by G.
Protein change: p.Gln176Glu; replaces glutamine 176 with glutamic acid.
Molecular consequence: missense variant.
Genome position (GRCh38, 1-based): chr8:143,935,924, G>C on the plus strand (C>G on the coding strand, the complement: PLEC is on the minus strand). VCF-style: chr8-143935924-G-C. GRCh37 (hg19) VCF-style: chr8-145010092-G-C.
Other names: c.607C>G, p.Gln203Glu (NM_000445.5, NM_001410941.1); c.484C>G, p.Gln162Glu (NM_201378.4); c.460C>G, p.Gln154Glu (NM_201379.3); c.937C>G, p.Gln313Glu (NM_201380.4); c.430C>G, p.Gln144Glu (NM_201381.3); c.526C>G, p.Gln176Glu (NM_201382.4); c.538C>G, p.Gln180Glu (NM_201383.3); short protein forms Q144E, Q154E, Q162E, Q176E, Q180E, Q203E, Q313E.
Identifiers: ClinVar variation 4881415 (VCV004881415.2).

ClinVar aggregate classification (germline): Uncertain significance (1 of 4 stars; one submission).

Conditions:
Autosomal recessive limb-girdle muscular dystrophy type 2Q (LGMDR17). Also called: MUSCULAR DYSTROPHY, LIMB-GIRDLE, AUTOSOMAL RECESSIVE 17. Identifiers: Orphanet 254361, MedGen C3150989, MONDO:0013390, OMIM 613723.

Submission:

Dasa
Classification: Uncertain significance for Autosomal recessive limb-girdle muscular dystrophy type 2Q. Last evaluated: 2025-12-02. Review status: criteria provided, single submitter. Criteria: DASA Assertion Criteria. Collection method: clinical testing. Allele origin: germline.
Comment: NM_201384.3(PLEC):c.526C>G (p.Gln176Glu) is a missense variant that results in the substitution of glutamine with glutamic acid. This variant is absent from population databases. The currently available literature and clinical evidence are not sufficient to establish a definitive association between this variant and the reported condition. Therefore, this variant is classified as a variant of uncertain significance.